The following is an entry in ClinVar:

ClinVar aggregate classification (germline): Pathogenic/Likely pathogenic. Review status: criteria provided, multiple submitters, no conflicts (2 of 4 stars). 2 submissions from 2 submitters: Pathogenic (1); Likely pathogenic (1). Last evaluated 2024-08-22.

Conditions:
Deficiency of galactokinase. Also called: GALACTOSEMIA II; Galactokinase deficiency with cataracts. Identifiers: Orphanet 352, Orphanet 79237, MedGen C0268155, MONDO:0009255, OMIM 230200.

Submissions (2):

Natera, Inc.
Classification: Likely pathogenic for Deficiency of galactokinase. Last evaluated: 2024-08-22. Review status: criteria provided, single submitter. Criteria: Natera Variant Classification Schema (03/2026). Collection method: clinical testing. Allele origin: germline.
Comment: The c.1055_1056del variant in GALK1 is a frameshift variant predicted to elongate the protein beyond the termination codon. This variant is expected to result in nonsense mediated decay, truncation, or a dysfunctional protein product. This variant is rare in the general population with a frequency below the threshold expected for the associated phenotype(s). Given the available evidence, this variant is classified as Likely Pathogenic.

Labcorp Genetics (formerly Invitae), Labcorp
Classification: Pathogenic for Deficiency of galactokinase. Last evaluated: 2023-12-09. Review status: criteria provided, single submitter. Criteria: Invitae Variant Classification Sherloc (09022015). Collection method: clinical testing. Allele origin: germline.
Comment: This sequence change results in a frameshift in the GALK1 gene (p.Thr352Serfs*50). While this is not anticipated to result in nonsense mediated decay, it is expected to disrupt the last 41 amino acid(s) of the GALK1 protein and extend the protein by 8 additional amino acid residues. This variant is not present in population databases (gnomAD no frequency). This variant has not been reported in the literature in individuals affected with GALK1-related conditions. This variant disrupts a region of the GALK1 protein in which other variant(s) (p.Gln382*) have been determined to be pathogenic (PMID: 10790206). This suggests that this is a clinically significant region of the protein, and that variants that disrupt it are likely to be disease-causing. For these reasons, this variant has been classified as Pathogenic.

Literature cited by the submitters: PubMed 10790206 (cited by Labcorp Genetics (formerly Invitae), Labcorp).

NM_000154.2(GALK1):c.1055_1056del (p.Thr352fs)

Gene: GALK1 (galactokinase 1; minus strand). Cytogenetic location: 17q25.1.
Variant type: Deletion.
Coding change: c.1055_1056del on transcript NM_000154.2 (MANE Select); coding-DNA positions 1055 to 1056, 2 bases deleted (CG; older notation c.1055_1056delCG).
Protein change: p.Thr352fs; shifts the reading frame from threonine 352.
Molecular consequence: frameshift variant.
Genome position (GRCh38, 1-based): chr17:75,758,261-75,758,262, CG deleted on the plus strand (CG on the coding strand, the reverse complement: GALK1 is on the minus strand). VCF-style (leftmost placement, unchanged base first): chr17-75758260-CCG-C. GRCh37 (hg19) VCF-style: chr17-73754341-CCG-C.
Other names: c.1055_1056del (NM_000154.1); c.1055_1056del, p.Thr352fs (NM_001381985.1); short protein forms T352fs.
Identifiers: ClinVar variation 2727681 (VCV002727681.4), dbSNP rs2545899596, ClinGen allele CA2697555170.